The following is an entry in ClinVar:

ClinVar aggregate classification (germline): Uncertain significance (1 of 4 stars; one submission).

Conditions:
Familial adenomatous polyposis 1 (FAP1). Also called: FAMILIAL ADENOMATOUS POLYPOSIS 1, ATTENUATED; POLYPOSIS, ADENOMATOUS INTESTINAL. Identifiers: MedGen C2713442, MONDO:0021056, OMIM 175100. Disease mechanism: loss of function.

gnomAD v4.1: 1 of 575,060 alleles (0.00017%); highest among the groups gnomAD compares: South Asian, 0.0018%; no homozygotes.

Submission:

Labcorp Genetics (formerly Invitae), Labcorp
Classification: Uncertain significance for Familial adenomatous polyposis 1. Last evaluated: 2021-09-01. Review status: criteria provided, single submitter. Criteria: Invitae Variant Classification Sherloc (09022015). Collection method: clinical testing. Allele origin: germline.
Comment: This variant occurs in a non-coding region of the APC gene. It does not change the encoded amino acid sequence of the APC protein. The frequency data for this variant in the population databases is considered unreliable, as metrics indicate insufficient coverage at this position in the ExAC database. This variant has not been reported in the literature in individuals affected with APC-related conditions. ClinVar contains an entry for this variant (Variation ID: 469846). Experimental studies and prediction algorithms are not available or were not evaluated, and the functional significance of this variant is currently unknown. In summary, the available evidence is currently insufficient to determine the role of this variant in disease. Therefore, it has been classified as a Variant of Uncertain Significance.

NM_001127511.3(APC):c.-166C>A

Gene: APC (APC regulator of Wnt signaling pathway; plus strand). Cytogenetic location: 5q22.2.
Variant type: single nucleotide variant.
Coding change: c.-166C>A on transcript NM_001127511.3; 166 bases upstream of the start codon, C replaced by A.
Molecular consequence: 5 prime UTR variant. On other transcripts: non-coding transcript variant (2).
Genome position (GRCh38, 1-based): chr5:112,707,552, C>A. VCF-style: chr5-112707552-C-A. GRCh37 (hg19) VCF-style: chr5-112043249-C-A.
Other names: c.-349C>A (NM_001354895.2, NM_001407447.1, NM_001407452.1 and 3 more transcripts); c.-166C>A (NM_001354897.2, NM_001354902.2, NM_001407446.1); c.-116C>A (NM_001407448.1, NM_001407450.1, NM_001407457.1 and 1 more transcripts); c.-140C>A (NM_001407453.1); c.-1384C>A (NM_001407470.1, NM_001407472.1).
Identifiers: ClinVar variation 469846 (VCV000469846.7), dbSNP rs904001781, ClinGen allele CA658655888.